The following is an entry in ClinVar:

NM_015330.6(SPECC1L):c.201G>A (p.Thr67=)

Genes: SPECC1L (sperm antigen with calponin homology and coiled-coil domains 1 like; plus strand), SPECC1L-ADORA2A (SPECC1L-ADORA2A readthrough (NMD candidate); plus strand). Cytogenetic location: 22q11.23.
Variant type: single nucleotide variant.
Coding change: c.201G>A on transcript NM_015330.6 (MANE Select); coding-DNA position 201, G replaced by A.
Protein change: p.Thr67=; no amino-acid change (threonine 67 retained).
Molecular consequence: synonymous variant. On other transcripts: non-coding transcript variant (1).
Genome position (GRCh38, 1-based): chr22:24,313,360, G>A. VCF-style: chr22-24313360-G-A. GRCh37 (hg19) VCF-style: chr22-24709328-G-A.
Other names: c.201G>A, p.Thr67= (NM_001145468.4, NM_001254732.3).
Identifiers: ClinVar variation 2652991 (VCV002652991.25), dbSNP rs200878965, ClinGen allele CA10151897.

ClinVar aggregate classification (germline): Likely benign. Review status: criteria provided, multiple submitters, no conflicts (2 of 4 stars). 2 submissions from 2 submitters: Likely benign (2). Last evaluated 2023-12-20.

Allele frequency attached by ClinVar (database versions not stated): ExAC 0.00001; gnomAD 0.00001; gnomAD exomes 0.00001; TOPMed 0.00002; ESP Exome Variant Server 0.00008.
gnomAD v4.1: 21 of 1,613,972 alleles (0.0013%); highest among the groups gnomAD compares: Middle Eastern, 0.016%; no homozygotes.

Submissions (2):

Blueprint Genetics
Classification: Likely benign. Last evaluated: 2023-12-20. Review status: criteria provided, single submitter. Criteria: ACMG Guidelines, 2015. Collection method: clinical testing. Allele origin: germline.

CeGaT Center for Human Genetics Tuebingen
Classification: Likely benign. Last evaluated: 2022-11-01. Review status: criteria provided, single submitter. Criteria: CeGaT Center For Human Genetics Tuebingen Variant Classification Criteria Version 2. Collection method: clinical testing. Allele origin: germline. Affected: yes. Observed: 1 variant allele.
Comment: SPECC1L: BP4, BP7